The following is an entry in ClinVar:

ClinVar aggregate classification (germline): Uncertain significance (1 of 4 stars; one submission).

Conditions:
Hepatic veno-occlusive disease-immunodeficiency syndrome. Also called: Hepatic Veno-Occlusive Disease with Immunodeficiency. Identifiers: Orphanet 79124, MedGen C1856128, MONDO:0009338, OMIM 235550. Disease mechanism: loss of function.

Submission:

Labcorp Genetics (formerly Invitae), Labcorp
Classification: Uncertain significance for Hepatic venoocclusive disease with immunodeficiency. Last evaluated: 2019-05-10. Review status: criteria provided, single submitter. Criteria: Invitae Variant Classification Sherloc (09022015). Collection method: clinical testing. Allele origin: germline.
Comment: A gross duplication of the genomic region encompassing the full coding sequence of the SP110 gene has been identified. The boundaries of this event are unknown as the duplication extends beyond the assayed region for this gene and therefore may encompass additional genes. As the precise location of this duplication is unknown, it may be in tandem or it may be located elsewhere in the genome. This variant has not been reported in the literature in individuals with SP110-related disease. In summary, the exact genomic location of this variant is unknown and the impact of this duplication on SP110 protein function has not been established. Therefore, it has been classified as a Variant of Uncertain Significance.

NC_000002.11:g.(?_231033820)_(231086456_?)dup

Gene: SP110 (SP110 nuclear body protein; minus strand). Cytogenetic location: 2q37.1.
Variant type: Duplication.
Identifiers: ClinVar variation 534652 (VCV000534652.3).